The following is an entry in ClinVar:

ClinVar aggregate classification (germline): Uncertain significance (1 of 4 stars; one submission).

Allele frequency attached by ClinVar (database versions not stated): ExAC 0.00001; gnomAD 0.00001; TOPMed 0.00001.
gnomAD v4.1: 11 of 1,613,844 alleles (0.00068%); highest among the groups gnomAD compares: East Asian, 0.0022%; no homozygotes.

Submission:

Labcorp Genetics (formerly Invitae), Labcorp
Classification: Uncertain significance. Last evaluated: 2023-04-27. Review status: criteria provided, single submitter. Criteria: Invitae Variant Classification Sherloc (09022015). Collection method: clinical testing. Allele origin: germline.
Comment: This sequence change creates a premature translational stop signal (p.Arg268*) in the A2ML1 gene. It is expected to result in an absent or disrupted protein product. However, the current clinical and genetic evidence is not sufficient to establish whether loss-of-function variants in A2ML1 cause disease. This variant is present in population databases (rs759740387, gnomAD 0.0009%). This variant has not been reported in the literature in individuals affected with A2ML1-related conditions. In summary, the available evidence is currently insufficient to determine the role of this variant in disease. Therefore, it has been classified as a Variant of Uncertain Significance.

NM_144670.6(A2ML1):c.802C>T (p.Arg268Ter)

Gene: A2ML1 (alpha-2-macroglobulin like 1; plus strand). Cytogenetic location: 12p13.31.
Variant type: single nucleotide variant.
Coding change: c.802C>T on transcript NM_144670.6 (MANE Select); coding-DNA position 802, C replaced by T.
Protein change: p.Arg268Ter; replaces arginine 268 with a stop codon.
Molecular consequence: nonsense.
Genome position (GRCh38, 1-based): chr12:8,837,513, C>T. VCF-style: chr12-8837513-C-T. GRCh37 (hg19) VCF-style: chr12-8990109-C-T.
Other names: short protein forms R268*.
Identifiers: ClinVar variation 2739314 (VCV002739314.3), dbSNP rs759740387, ClinGen allele CA6435433.